The following is an entry in ClinVar:

ClinVar aggregate classification (germline): Benign/Likely benign. Review status: criteria provided, multiple submitters, no conflicts (2 of 4 stars). 2 submissions from 2 submitters: Benign (1); Likely benign (1). Last evaluated 2026-03-27.

Allele frequency attached by ClinVar (database versions not stated): ExAC 0.00032; TOPMed 0.00241; 1000 Genomes Project 30x 0.00250; 1000 Genomes Project 0.00260.
gnomAD v4.1: 577 of 1,289,772 alleles (0.045%); highest among the groups gnomAD compares: African/African-American, 0.78%; 3 homozygotes.

Submissions (2):

Molecular Diagnostic Laboratory for Inherited Cardiovascular Disease, Montreal Heart Institute
Classification: Benign. Last evaluated: 2026-03-27. Review status: criteria provided, single submitter. Criteria: ACMG Guidelines, 2015. Collection method: clinical testing. Allele origin: germline. Affected: no.

CeGaT Center for Human Genetics Tuebingen
Classification: Likely benign. Last evaluated: 2026-03-01. Review status: criteria provided, single submitter. Criteria: CeGaT Center For Human Genetics Tuebingen Variant Classification Criteria Version 2. Collection method: clinical testing. Allele origin: germline. Affected: yes. Observed: 4 variant alleles.
Comment: ANK2: BP4, BS1

NM_001148.6(ANK2):c.85-28483T>A

Gene: ANK2 (ankyrin 2; plus strand). Cytogenetic location: 4q25.
Variant type: single nucleotide variant.
Coding change: c.85-28483T>A on transcript NM_001148.6 (MANE Select); 28483 bases into the intron before coding-DNA position 85, T replaced by A.
Molecular consequence: intron variant. On other transcripts: missense variant (2).
Genome position (GRCh38, 1-based): chr4:113,145,933, T>A. VCF-style: chr4-113145933-T-A. GRCh37 (hg19) VCF-style: chr4-114067089-T-A.
Other names: c.85-28483T>A (NM_001354265.2, NM_001354236.2, NM_001354232.2 and 10 more transcripts); c.130-28483T>A (NM_001386152.1, NM_001354237.2, NM_001354230.2 and 4 more transcripts); c.65T>A, p.Met22Lys (NM_001386174.1, NM_001386175.1); c.73-28483T>A (NM_001386186.2, NM_001386148.2, NM_001354269.3 and 1 more transcripts); c.22-5147T>A (NM_001386147.1, NM_001386160.1, NM_001354261.2); c.22-28483T>A (NM_001354254.2, NM_001354239.2, NM_001354252.2 and 33 more transcripts); c.85-5147T>A (NM_001354241.2); short protein forms M22K.
Identifiers: ClinVar variation 1695104 (VCV001695104.31), dbSNP rs116338686, ClinGen allele CA3049896.